The following is an entry in ClinVar:

NM_052859.4(RFT1):c.1381C>A (p.Pro461Thr)

Gene: RFT1 (RFT1 glycolipid translocator homolog; minus strand). Cytogenetic location: 3p21.1.
Variant type: single nucleotide variant.
Coding change: c.1381C>A on transcript NM_052859.4 (MANE Select); coding-DNA position 1381, C replaced by A.
Protein change: p.Pro461Thr; replaces proline 461 with threonine.
Molecular consequence: missense variant.
Genome position (GRCh38, 1-based): chr3:53,092,446, G>T on the plus strand (C>A on the coding strand, the complement: RFT1 is on the minus strand). VCF-style: chr3-53092446-G-T. GRCh37 (hg19) VCF-style: chr3-53126462-G-T.
Other names: short protein forms P461T.
Identifiers: ClinVar variation 2103593 (VCV002103593.4), dbSNP rs2470937713, ClinGen allele CA353226695.
Genomic context (GRCh38, chr3:53,092,446, plus strand): 5'-CCCCACCACTGAGGGCAAATGTCCCGAGCAGGACTGGCGATAGGTGCAGGCCAGCCAGGG[G>T]CCTGTGGGGGCTCCTTCGGTAGTAGCGGTGGATGAAGCAAAGGCTCTGCGTGATCCGAAT-3'
Protein context (NP_443091.1, residues 451-471): HRYYRRSPHR[Pro461Thr]LAGLHLSPVL

ClinVar aggregate classification (germline): Uncertain significance (1 of 4 stars; one submission).

Conditions:
RFT1-congenital disorder of glycosylation (CDG1N). Also called: Congenital disorder of glycosylation type In; RFT1-CDG; CDG In. Identifiers: Orphanet 244310, MedGen C2677590, MONDO:0012783, OMIM 612015.

Submission:

Labcorp Genetics (formerly Invitae), Labcorp
Classification: Uncertain significance for RFT1-congenital disorder of glycosylation. Last evaluated: 2023-08-10. Review status: criteria provided, single submitter. Criteria: Invitae Variant Classification Sherloc (09022015). Collection method: clinical testing. Allele origin: germline.
Comment: This sequence change replaces proline, which is neutral and non-polar, with threonine, which is neutral and polar, at codon 461 of the RFT1 protein (p.Pro461Thr). This variant is not present in population databases (gnomAD no frequency). This variant has not been reported in the literature in individuals affected with RFT1-related conditions. ClinVar contains an entry for this variant (Variation ID: 2103593). Advanced modeling of protein sequence and biophysical properties (such as structural, functional, and spatial information, amino acid conservation, physicochemical variation, residue mobility, and thermodynamic stability) performed at Invitae indicates that this missense variant is expected to disrupt RFT1 protein function. In summary, the available evidence is currently insufficient to determine the role of this variant in disease. Therefore, it has been classified as a Variant of Uncertain Significance.